The following is an entry in ClinVar:

NM_001035.3(RYR2):c.6773G>T (p.Arg2258Leu)

Gene: RYR2 (ryanodine receptor 2; plus strand). Cytogenetic location: 1q43.
Variant type: single nucleotide variant.
Coding change: c.6773G>T on transcript NM_001035.3 (MANE Select); coding-DNA position 6773, G replaced by T.
Protein change: p.Arg2258Leu; replaces arginine 2258 with leucine.
Molecular consequence: missense variant.
Genome position (GRCh38, 1-based): chr1:237,634,973, G>T. VCF-style: chr1-237634973-G-T. GRCh37 (hg19) VCF-style: chr1-237798273-G-T.
Other names: short protein forms R2258L.
Identifiers: ClinVar variation 4806076 (VCV004806076.1).

ClinVar aggregate classification (germline): Uncertain significance (1 of 4 stars; one submission).

Conditions:
Catecholaminergic polymorphic ventricular tachycardia 1. Also called: VENTRICULAR TACHYCARDIA, STRESS-INDUCED POLYMORPHIC 1; VENTRICULAR TACHYCARDIA, CATECHOLAMINERGIC POLYMORPHIC, 1, WITH OR WITHOUT ATRIAL DYSFUNCTION AND/OR DILATED CARDIOMYOPATHY; RYR2-Related Catecholaminergic Polymorphic Ventricular Tachycardia. Identifiers: Orphanet 3286, MedGen C1631597, MONDO:0011484, OMIM 604772.

gnomAD v4.1: 1 of 1,599,362 alleles (0.000063%); highest among the groups gnomAD compares: Non-Finnish European, 0.000085%; no homozygotes.

Submission:

Labcorp Genetics (formerly Invitae), Labcorp
Classification: Uncertain significance for Catecholaminergic polymorphic ventricular tachycardia 1. Last evaluated: 2025-12-20. Review status: criteria provided, single submitter. Criteria: Invitae Variant Classification Sherloc (09022015). Collection method: clinical testing. Allele origin: germline.
Comment: This sequence change replaces arginine, which is basic and polar, with leucine, which is neutral and non-polar, at codon 2258 of the RYR2 protein (p.Arg2258Leu). This variant is not present in population databases (gnomAD no frequency). This variant has not been reported in the literature in individuals affected with RYR2-related conditions. Invitae Evidence Modeling of protein sequence and biophysical properties (such as structural, functional, and spatial information, amino acid conservation, physicochemical variation, residue mobility, and thermodynamic stability) has been performed for this missense variant. However, the output from this modeling did not meet the statistical confidence thresholds required to predict the impact of this variant on RYR2 protein function. In summary, the available evidence is currently insufficient to determine the role of this variant in disease. Therefore, it has been classified as a Variant of Uncertain Significance.